The following is an entry in ClinVar:

ClinVar aggregate classification (germline): Uncertain significance. Review status: criteria provided, multiple submitters, no conflicts (2 of 4 stars). 8 submissions from 7 submitters: Uncertain significance (6). 2 of the submissions do not count toward it. Last evaluated 2026-08-25.

Conditions:
USH2A-related disorder. Also called: USH2A-related condition; USH2A-related disorders. Identifiers: MedGen CN239332.
Usher syndrome type 2A. Also called: USHER SYNDROME, TYPE IIA; RETINAL DISEASE IN USHER SYNDROME TYPE IIA, MODIFIER OF. Identifiers: Orphanet 231178, Orphanet 886, MedGen C1848634, MONDO:0010169, OMIM 276901.
Retinitis pigmentosa 39 (RP39). Identifiers: Orphanet 791, MedGen C3151138, MONDO:0013436, OMIM 613809.

Allele frequency attached by ClinVar (database versions not stated): TOPMed 0.00002; gnomAD 0.00003 and 0.00001; gnomAD exomes 0.00008; ExAC 0.00011; 1000 Genomes Project 30x 0.00016; 1000 Genomes Project 0.00020.
gnomAD v4.1: 69 of 1,613,880 alleles (0.0043%); highest among the groups gnomAD compares: South Asian, 0.025%; no homozygotes.

Submissions (8):

PreventionGenetics, part of Exact Sciences
Classification: Uncertain significance for USH2A-related condition. Last evaluated: 2026-08-25. Review status: criteria provided, single submitter. Criteria: ACMG Guidelines, 2015. Collection method: clinical testing. Allele origin: germline.
Comment: The USH2A c.5752G>A variant is predicted to result in the amino acid substitution p.Glu1918Lys. This variant has been reported along with a second USH2A variant in at least two individuals with retinal disease (Table S5, Huang et al. 2015. PubMed ID: 25356976; Table S2, Zhu et al. 2020. PubMed ID: 32675063). This variant is present in 0.039% of alleles in individuals of South Asian descent in gnomAD. At this time, the clinical significance of this variant is uncertain due to the absence of conclusive functional and genetic evidence.

Labcorp Genetics (formerly Invitae), Labcorp
Classification: Uncertain significance. Last evaluated: 2025-09-02. Review status: criteria provided, single submitter. Criteria: Invitae Variant Classification Sherloc (09022015). Collection method: clinical testing. Allele origin: germline.
Comment: This sequence change replaces glutamic acid, which is acidic and polar, with lysine, which is basic and polar, at codon 1918 of the USH2A protein (p.Glu1918Lys). This variant is present in population databases (rs529355834, gnomAD 0.04%). This missense change has been observed in individual(s) with retinitis pigmentosa (PMID: 25356976). ClinVar contains an entry for this variant (Variation ID: 179226). Invitae Evidence Modeling of protein sequence and biophysical properties (such as structural, functional, and spatial information, amino acid conservation, physicochemical variation, residue mobility, and thermodynamic stability) has been performed for this missense variant. However, the output from this modeling did not meet the statistical confidence thresholds required to predict the impact of this variant on USH2A protein function. In summary, the available evidence is currently insufficient to determine the role of this variant in disease. Therefore, it has been classified as a Variant of Uncertain Significance.

Blueprint Genetics
Classification: Uncertain significance. Last evaluated: 2024-05-08. Review status: criteria provided, single submitter. Criteria: ACMG Guidelines, 2015. Collection method: clinical testing. Allele origin: germline.

Genome-Nilou Lab
Classification: Uncertain significance for Retinitis pigmentosa 39. Last evaluated: 2023-11-04. Review status: criteria provided, single submitter. Criteria: ACMG Guidelines, 2015. Collection method: clinical testing. Allele origin: germline. Affected: no.

Genome-Nilou Lab
Classification: Uncertain significance for Usher syndrome type 2A. Last evaluated: 2023-11-04. Review status: criteria provided, single submitter. Criteria: ACMG Guidelines, 2015. Collection method: clinical testing. Allele origin: germline. Affected: no.

Laboratory for Molecular Medicine, Mass General Brigham Personalized Medicine
Classification: Uncertain significance. Last evaluated: 2013-09-08. Review status: criteria provided, single submitter. Criteria: LMM Criteria. Collection method: clinical testing. Allele origin: germline. Observed: 2 variant alleles.
Comment: The Glu1918Lys variant in USH2A has not been reported in individuals with hearin g loss or in large population studies. Computational analyses (biochemical amino acid properties, conservation, AlignGVGD, PolyPhen2, and SIFT) do not provide s trong support for or against an impact to the protein. In summary, additional da ta is needed to determine the clinical significance of this variant.

Natera, Inc.
Classification: Uncertain significance for Usher syndrome type 2A. Last evaluated: 2020-09-24. Review status: no assertion criteria provided. Collection method: clinical testing. Allele origin: germline. Not counted in ClinVar's aggregate classification.

Counsyl
Classification: Uncertain significance for Usher syndrome type 2A; Retinitis pigmentosa 39. Last evaluated: 2017-03-31. Review status: no assertion criteria provided. Collection method: clinical testing. Allele origin: unknown. Not counted in ClinVar's aggregate classification.

Literature cited by the submitters: PubMed 25356976 (cited by Labcorp Genetics (formerly Invitae), Labcorp and Counsyl).

NM_206933.4(USH2A):c.5752G>A (p.Glu1918Lys)

Genes: USH2A (usherin; minus strand), USH2A-AS2 (USH2A antisense RNA 2; plus strand). Cytogenetic location: 1q41.
Variant type: single nucleotide variant.
Coding change: c.5752G>A on transcript NM_206933.4 (MANE Select); coding-DNA position 5752, G replaced by A.
Protein change: p.Glu1918Lys; replaces glutamic acid 1918 with lysine.
Molecular consequence: missense variant.
Genome position (GRCh38, 1-based): chr1:216,073,121, C>T on the plus strand (G>A on the coding strand, the complement: USH2A is on the minus strand). VCF-style: chr1-216073121-C-T. GRCh37 (hg19) VCF-style: chr1-216246463-C-T.
Other names: short protein forms E1918K.
Identifiers: ClinVar variation 179226 (VCV000179226.15), dbSNP rs529355834, ClinGen allele CA183999.